The following is an entry in ClinVar:

ClinVar aggregate classification (germline): Conflicting classifications of pathogenicity. Review status: criteria provided, conflicting classifications (1 of 4 stars). 3 submissions from 3 submitters: Uncertain significance (2); Likely benign (1). Last evaluated 2023-12-04.

Conditions:
Hereditary diffuse gastric adenocarcinoma (HDGC). Also called: DIFFUSE GASTRIC AND LOBULAR BREAST CANCER SYNDROME. Identifiers: Orphanet 26106, MedGen C1708349, MONDO:0007648, OMIM 137215.
Hereditary cancer-predisposing syndrome. Also called: Hereditary Cancer Syndrome; Neoplastic Syndromes, Hereditary; Hereditary neoplastic syndrome; Tumor predisposition. Identifiers: Orphanet 140162, MedGen C0027672, MeSH D009386, MONDO:0015356.

Submissions (3):

Color Diagnostics, LLC DBA Color Health
Classification: Uncertain significance for Hereditary cancer-predisposing syndrome. Last evaluated: 2023-12-04. Review status: criteria provided, single submitter. Criteria: ACMG Guidelines, 2015. Collection method: clinical testing. Allele origin: germline.
Comment: This missense variant replaces asparagine with aspartic acid at codon 570 of the CDH1 protein. To our knowledge, functional studies have not been reported for this variant. This variant has not been reported in individuals affected with hereditary cancer in the literature. This variant has not been identified in the general population by the Genome Aggregation Database (gnomAD). The available evidence is insufficient to determine the role of this variant in disease conclusively. Therefore, this variant is classified as a Variant of Uncertain Significance.

Labcorp Genetics (formerly Invitae), Labcorp
Classification: Uncertain significance for Hereditary diffuse gastric adenocarcinoma. Last evaluated: 2023-05-05. Review status: criteria provided, single submitter. Criteria: Invitae Variant Classification Sherloc (09022015). Collection method: clinical testing. Allele origin: germline.
Comment: In summary, the available evidence is currently insufficient to determine the role of this variant in disease. Therefore, it has been classified as a Variant of Uncertain Significance. Algorithms developed to predict the effect of missense changes on protein structure and function output the following: SIFT: "Not Available"; PolyPhen-2: "Benign"; Align-GVGD: "Not Available". The aspartic acid amino acid residue is found in multiple mammalian species, which suggests that this missense change does not adversely affect protein function. ClinVar contains an entry for this variant (Variation ID: 819899). This variant has not been reported in the literature in individuals affected with CDH1-related conditions. This variant is not present in population databases (gnomAD no frequency). This sequence change replaces asparagine, which is neutral and polar, with aspartic acid, which is acidic and polar, at codon 570 of the CDH1 protein (p.Asn570Asp).

Ambry Genetics
Classification: Likely benign for Hereditary cancer-predisposing syndrome. Last evaluated: 2019-01-08. Review status: criteria provided, single submitter. Criteria: Ambry Variant Classification Scheme 2023. Collection method: clinical testing. Allele origin: germline.

NM_004360.5(CDH1):c.1708A>G (p.Asn570Asp)

Gene: CDH1 (cadherin 1; plus strand). Cytogenetic location: 16q22.1.
Variant type: single nucleotide variant.
Coding change: c.1708A>G on transcript NM_004360.5 (MANE Select); coding-DNA position 1708, A replaced by G.
Protein change: p.Asn570Asp; replaces asparagine 570 with aspartic acid.
Molecular consequence: missense variant. On other transcripts: intron variant (1).
Genome position (GRCh38, 1-based): chr16:68,819,422, A>G. VCF-style: chr16-68819422-A-G. GRCh37 (hg19) VCF-style: chr16-68853325-A-G.
Other names: c.1525A>G, p.Asn509Asp (NM_001317184.2); c.160A>G, p.Asn54Asp (NM_001317185.2); c.-254-2579A>G (NM_001317186.2); short protein forms N509D, N54D, N570D.
Identifiers: ClinVar variation 819899 (VCV000819899.17), dbSNP rs1567510854, ClinGen allele CA396465454.